The following is an entry in ClinVar:

NM_006206.6(PDGFRA):c.2255C>G (p.Ser752Cys)

Gene: PDGFRA (platelet derived growth factor receptor alpha; plus strand). Cytogenetic location: 4q12.
Variant type: single nucleotide variant.
Coding change: c.2255C>G on transcript NM_006206.6 (MANE Select); coding-DNA position 2255, C replaced by G.
Protein change: p.Ser752Cys; replaces serine 752 with cysteine.
Molecular consequence: missense variant.
Genome position (GRCh38, 1-based): chr4:54,280,414, C>G. VCF-style: chr4-54280414-C-G. GRCh37 (hg19) VCF-style: chr4-55146581-C-G.
Other names: c.2255C>G, p.Ser752Cys (NM_001347827.2, NM_001347829.2); c.2330C>G, p.Ser777Cys (NM_001347828.2); c.2294C>G, p.Ser765Cys (NM_001347830.2); short protein forms S752C, S777C, S765C.
Identifiers: ClinVar variation 3930184 (VCV003930184.1).

ClinVar aggregate classification (germline): Uncertain significance (1 of 4 stars; one submission).

Conditions:
Hereditary cancer-predisposing syndrome. Also called: Tumor predisposition; Hereditary neoplastic syndrome; Hereditary Cancer Syndrome; Neoplastic Syndromes, Hereditary. Identifiers: Orphanet 140162, MedGen C0027672, MeSH D009386, MONDO:0015356.

Submission:

Ambry Genetics
Classification: Uncertain significance for Hereditary cancer-predisposing syndrome. Last evaluated: 2025-03-20. Review status: criteria provided, single submitter. Criteria: Ambry Variant Classification Scheme 2023. Collection method: clinical testing. Allele origin: germline.
Comment: The p.S752C variant (also known as c.2255C>G), located in coding exon 15 of the PDGFRA gene, results from a C to G substitution at nucleotide position 2255. The serine at codon 752 is replaced by cysteine, an amino acid with dissimilar properties. This amino acid position is conserved. In addition, the in silico prediction for this alteration is inconclusive. Based on the available evidence, the clinical significance of this variant remains unclear.